The following is an entry in ClinVar:

ClinVar aggregate classification (germline): Uncertain significance. Review status: criteria provided, multiple submitters, no conflicts (2 of 4 stars). 2 submissions from 2 submitters: Uncertain significance (2). Last evaluated 2024-06-26.

Conditions:
Inborn genetic diseases. Identifiers: MedGen C0950123, MeSH D030342.

Allele frequency attached by ClinVar (database versions not stated): TOPMed 0.00001; ExAC 0.00002; gnomAD exomes 0.00002; gnomAD 0.00003 and 0.00004; ESP Exome Variant Server 0.00008.
gnomAD v4.1: 35 of 1,613,782 alleles (0.0022%); highest among the groups gnomAD compares: Non-Finnish European, 0.0026%; no homozygotes.

Submissions (2):

Ambry Genetics
Classification: Uncertain significance for Inborn genetic diseases. Last evaluated: 2024-06-26. Review status: criteria provided, single submitter. Criteria: Ambry Variant Classification Scheme 2023. Collection method: clinical testing. Allele origin: germline.

Laboratory for Molecular Medicine, Mass General Brigham Personalized Medicine
Classification: Uncertain significance. Last evaluated: 2017-11-15. Review status: criteria provided, single submitter. Criteria: LMM Criteria. Collection method: clinical testing. Allele origin: germline. Observed: 1 variant allele.
Comment: The p.Gly1844Arg variant in MYH14 has not been previously reported in individual s with hearing loss, but has been identified in 3/126420 European chromosomes by the Genome Aggregation Database (gnomAD; dbSN P rs375748088). Computational prediction tools and conservation analysis suggest that the p.Gly1844Arg variant may impact the protein, though this information i s not predictive enough to determine pathogenicity. In summary, the clinical sig nificance of the p.Gly1844Arg variant is uncertain. ACMG/AMP Criteria applied: P P3.

NM_001145809.2(MYH14):c.5530G>A (p.Gly1844Arg)

Gene: MYH14 (myosin heavy chain 14; plus strand). Cytogenetic location: 19q13.33.
Variant type: single nucleotide variant.
Coding change: c.5530G>A on transcript NM_001145809.2 (MANE Select); coding-DNA position 5530, G replaced by A.
Protein change: p.Gly1844Arg; replaces glycine 1844 with arginine.
Molecular consequence: missense variant.
Genome position (GRCh38, 1-based): chr19:50,301,721, G>A. VCF-style: chr19-50301721-G-A. GRCh37 (hg19) VCF-style: chr19-50804978-G-A.
Other names: c.5431G>A, p.Gly1811Arg (NM_001077186.2); c.5407G>A, p.Gly1803Arg (NM_024729.4); c.5407G>A (NM_024729.3); short protein forms G1844R, G1803R, G1811R.
Identifiers: ClinVar variation 504619 (VCV000504619.5), dbSNP rs375748088, ClinGen allele CA9593838.